The following is an entry in ClinVar:

ClinVar aggregate classification (germline): Uncertain significance. Review status: criteria provided, multiple submitters, no conflicts (2 of 4 stars). 6 submissions from 6 submitters: Uncertain significance (6). Last evaluated 2025-11-25.

Conditions:
Hereditary cancer-predisposing syndrome. Also called: Neoplastic Syndromes, Hereditary; Hereditary Cancer Syndrome; Tumor predisposition; Hereditary neoplastic syndrome. Identifiers: Orphanet 140162, MedGen C0027672, MeSH D009386, MONDO:0015356.
Pheochromocytoma. Also called: MAX-Related Hereditary Paraganglioma-Pheochromocytoma Syndrome. Identifiers: Orphanet 29072, MedGen C0031511, MONDO:0008233, OMIM 171300, HP:0002666.
Polydactyly-macrocephaly syndrome (PDMCS). Identifiers: MedGen C5882754, MONDO:0958227, OMIM 620712.
Hereditary pheochromocytoma and paraganglioma. Also called: Hereditary Paraganglioma-Pheochromocytoma Syndromes; Hereditary paragangliomas and pheochromocytomas; Hereditary pheochromocytoma-paraganglioma. Identifiers: Orphanet 29072, MedGen C4274332, MONDO:0017366.

Allele frequency attached by ClinVar (database versions not stated): ExAC 0.00001; gnomAD 0.00001 and 0.00002; gnomAD exomes 0.00001; TOPMed 0.00001.
gnomAD v4.1: 22 of 1,613,978 alleles (0.0014%); highest among the groups gnomAD compares: South Asian, 0.0055%; no homozygotes.

Submissions (6):

Labcorp Genetics (formerly Invitae), Labcorp
Classification: Uncertain significance for Hereditary pheochromocytoma and paraganglioma. Last evaluated: 2025-11-25. Review status: criteria provided, single submitter. Criteria: Invitae Variant Classification Sherloc (09022015). Collection method: clinical testing. Allele origin: germline.
Comment: This sequence change replaces alanine, which is neutral and non-polar, with threonine, which is neutral and polar, at codon 126 of the MAX protein (p.Ala126Thr). This variant is present in population databases (rs779789251, gnomAD 0.003%). This variant has not been reported in the literature in individuals affected with MAX-related conditions. ClinVar contains an entry for this variant (Variation ID: 576522). Invitae Evidence Modeling incorporating data from in vitro experimental studies (internal data) indicates that this missense variant is not expected to disrupt MAX function with a negative predictive value of 95%. In summary, the available evidence is currently insufficient to determine the role of this variant in disease. Therefore, it has been classified as a Variant of Uncertain Significance.

Ambry Genetics
Classification: Uncertain significance for Hereditary cancer-predisposing syndrome. Last evaluated: 2024-11-14. Review status: criteria provided, single submitter. Criteria: Ambry Variant Classification Scheme 2023. Collection method: clinical testing. Allele origin: germline.
Comment: The p.A126T variant (also known as c.376G>A), located in coding exon 5 of the MAX gene, results from a G to A substitution at nucleotide position 376. The alanine at codon 126 is replaced by threonine, an amino acid with similar properties. This amino acid position is not well conserved in available vertebrate species. In addition, the in silico prediction for this alteration is inconclusive. Since supporting evidence is limited at this time, the clinical significance of this alteration remains unclear.

Baylor Genetics
Classification: Uncertain significance for Pheochromocytoma. Last evaluated: 2023-11-19. Review status: criteria provided, single submitter. Criteria: ACMG Guidelines, 2015. Collection method: clinical testing. Allele origin: unknown.

GeneDx
Classification: Uncertain significance. Last evaluated: 2022-03-24. Review status: criteria provided, single submitter. Criteria: GeneDx Variant Classification Process June 2021. Collection method: clinical testing. Allele origin: germline. Affected: yes.
Comment: Not observed at significant frequency in large population cohorts (gnomAD); In silico analysis supports that this missense variant does not alter protein structure/function; Has not been previously published as pathogenic or benign to our knowledge

Sema4
Classification: Uncertain significance for Hereditary cancer-predisposing syndrome. Last evaluated: 2022-02-05. Review status: criteria provided, single submitter. Criteria: Sema4 Curation Guidelines. Collection method: curation. Allele origin: germline.
Comment: The MAX c.376G>A (p.A126T) variant has not been reported in the literature to our knowledge. It was observed in 3/129120 chromosomes of the Non-Finnish European subpopulation in the Genome Aggregation Database (PMID: 32461654). This variant has been reported in ClinVar (Variation ID: 576522). Functional studies have not been performed, and in silico predictions of the variant's effect on protein function are inconclusive. The evidence is insufficient to meet ACMG/AMP criteria for classifying the variant as benign or pathogenic. Thus, the clinical significance of this variant is currently uncertain.

Department of Pathology and Laboratory Medicine, Sinai Health System
Classification: Uncertain significance for Pheochromocytoma; Polydactyly-macrocephaly syndrome. Last evaluated: 2021-09-11. Review status: criteria provided, single submitter. Criteria: ACMG Guidelines, 2015. Collection method: research. Allele origin: germline.

NM_002382.5(MAX):c.376G>A (p.Ala126Thr)

Gene: MAX (MYC associated transcriptional regulator X; minus strand). Cytogenetic location: 14q23.3.
Variant type: single nucleotide variant.
Coding change: c.376G>A on transcript NM_002382.5 (MANE Select); coding-DNA position 376, G replaced by A.
Protein change: p.Ala126Thr; replaces alanine 126 with threonine.
Molecular consequence: missense variant. On other transcripts: 3 prime UTR variant (1), intron variant (2).
Genome position (GRCh38, 1-based): chr14:65,076,583, C>T on the plus strand (G>A on the coding strand, the complement: MAX is on the minus strand). VCF-style: chr14-65076583-C-T. GRCh37 (hg19) VCF-style: chr14-65543301-C-T.
Other names: c.*165G>A (NM_001407101.1, NM_001407103.1, NM_001407109.1 and 4 more transcripts); c.*149G>A (NM_001407102.1, NM_001407104.1, NM_001407108.1 and 2 more transcripts); c.187G>A, p.Ala63Thr (NM_001407105.1, NM_001407106.1, NM_001407107.1 and 1 more transcripts); c.175G>A, p.Ala59Thr (NM_001407111.1, NM_001407112.1); c.376G>A, p.Ala126Thr (NM_001407094.1); c.349G>A, p.Ala117Thr (NM_001407095.1, NM_145112.3); c.268G>A, p.Ala90Thr (NM_001407098.1); c.144+17125G>A (NM_001271069.2); and 1 more; short protein forms A126T, A63T, A117T, A59T, A90T.
Identifiers: ClinVar variation 576522 (VCV000576522.14), dbSNP rs779789251, ClinGen allele CA7232800.